The following is an entry in ClinVar:

ClinVar aggregate classification (germline): Benign. Review status: criteria provided, multiple submitters, no conflicts (2 of 4 stars). 2 submissions from 2 submitters: Benign (2). Last evaluated 2018-01-13.

Conditions:
Peters plus syndrome. Also called: KRAUSE-KIVLIN SYNDROME. Identifiers: Orphanet 709, MedGen C0796012, MONDO:0009856, OMIM 261540.

Allele frequency attached by ClinVar (database versions not stated): gnomAD 0.10159 and 0.10726; TOPMed 0.11716; 1000 Genomes Project 30x 0.20331; 1000 Genomes Project 0.20667.

Submissions (2):

Illumina Laboratory Services, Illumina
Classification: Benign for Peters plus syndrome. Last evaluated: 2018-01-13. Review status: criteria provided, single submitter. Criteria: ICSL Variant Classification Criteria 13 December 2019. Collection method: clinical testing. Allele origin: germline.
Comment: This variant was observed in the ICSL laboratory as part of a predisposition screen in an ostensibly healthy population. It had not been previously curated by ICSL or reported in the Human Gene Mutation Database (HGMD: prior to June 1st, 2018), and was therefore a candidate for classification through an automated scoring system. Utilizing variant allele frequency, disease prevalence and penetrance estimates, and inheritance mode, an automated score was calculated to assess if this variant is too frequent to cause the disease. Based on the score and internal cut-off values, a variant classified as benign is not then subjected to further curation. The score for this variant resulted in a classification of benign for this disease.

Breakthrough Genomics
Classification: Benign. Review status: criteria provided, single submitter. Criteria: ACMG Guidelines, 2015. Collection method: not provided. Allele origin: germline. Inheritance: Autosomal recessive inheritance. Affected: yes.

NM_194318.4(B3GLCT):c.*1644A>T

Gene: B3GLCT (beta 3-glucosyltransferase; plus strand). Cytogenetic location: 13q12.3.
Variant type: single nucleotide variant.
Coding change: c.*1644A>T on transcript NM_194318.4 (MANE Select); 1644 bases downstream of the stop codon, A replaced by T.
Molecular consequence: 3 prime UTR variant.
Genome position (GRCh38, 1-based): chr13:31,331,312, A>T. VCF-style: chr13-31331312-A-T. GRCh37 (hg19) VCF-style: chr13-31905449-A-T.
Identifiers: ClinVar variation 883166 (VCV000883166.5), dbSNP rs876540, ClinGen allele CA13884025.
Genomic context (GRCh38, chr13:31,331,312, plus strand): 5'-GGAGAGCCCTGGCTGCCTACACCAGTGGAAAAGAGTCTCCAGTTCTGCTCTGGCCTACTA[A>T]CTGTTACCACTGAGAGAACAACATGTTCATTTGACATGATTGAAGCTGGCATCCGTATAT-3'